The following is an entry in ClinVar:

ClinVar aggregate classification (germline): Likely benign (1 of 4 stars; one submission).

Allele frequency attached by ClinVar (database versions not stated): gnomAD exomes below 0.00001 and 0.00001; TOPMed below 0.00001.
gnomAD v4.1: 15 of 1,614,030 alleles (0.00093%); highest among the groups gnomAD compares: Non-Finnish European, 0.0013%; no homozygotes.

Submission:

GeneDx
Classification: Likely benign. Last evaluated: 2018-01-11. Review status: criteria provided, single submitter. Criteria: GeneDx Variant Classification (06012015). Collection method: clinical testing. Allele origin: germline. Affected: yes.
Comment: This variant is considered likely benign or benign based on one or more of the following criteria: it is a conservative change, it occurs at a poorly conserved position in the protein, it is predicted to be benign by multiple in silico algorithms, and/or has population frequency not consistent with disease.

NM_001148.6(ANK2):c.5160A>G (p.Gln1720=)

Genes: ANK2 (ankyrin 2; plus strand), LOC126807136 (MED14-independent group 3 enhancer GRCh37_chr4:114274931-114276130; plus strand). Cytogenetic location: 4q26.
Variant type: single nucleotide variant.
Coding change: c.5160A>G on transcript NM_001148.6 (MANE Select); coding-DNA position 5160, A replaced by G.
Protein change: p.Gln1720=; no amino-acid change (glutamine 1720 retained).
Molecular consequence: synonymous variant. On other transcripts: intron variant (68).
Genome position (GRCh38, 1-based): chr4:113,353,778, A>G. VCF-style: chr4-113353778-A-G. GRCh37 (hg19) VCF-style: chr4-114274934-A-G.
Other names: c.4926A>G, p.Gln1642= (NM_001386142.1); c.1560A>G, p.Gln520= (NM_001386166.1); c.5301A>G, p.Gln1767= (NM_001386174.1); c.5277A>G, p.Gln1759= (NM_001386175.1); c.4411+3529A>G (NM_001386186.2, NM_001386148.2); c.4213+3529A>G (NM_001354269.3); c.4291+3529A>G (NM_001386187.2); c.4252+3529A>G (NM_001386147.1); and 35 more.
Identifiers: ClinVar variation 514572 (VCV000514572.1), dbSNP rs1291375940, ClinGen allele CA440877276.